The following is an entry in ClinVar:

NM_020806.5(GPHN):c.2123G>A (p.Arg708Gln)

Gene: GPHN (gephyrin; plus strand). Cytogenetic location: 14q23.3.
Variant type: single nucleotide variant.
Coding change: c.2123G>A on transcript NM_020806.5 (MANE Select); coding-DNA position 2123, G replaced by A.
Protein change: p.Arg708Gln; replaces arginine 708 with glutamine.
Molecular consequence: missense variant.
Genome position (GRCh38, 1-based): chr14:67,179,621, G>A. VCF-style: chr14-67179621-G-A. GRCh37 (hg19) VCF-style: chr14-67646338-G-A.
Other names: c.2024G>A, p.Arg675Gln (NM_001024218.2); c.2183G>A, p.Arg728Gln (NM_001377514.1); c.2153G>A, p.Arg718Gln (NM_001377515.1); c.2144G>A, p.Arg715Gln (NM_001377516.1); c.2096G>A, p.Arg699Gln (NM_001377517.1); c.2081G>A, p.Arg694Gln (NM_001377518.1); c.2063G>A, p.Arg688Gln (NM_001377519.1); short protein forms R675Q, R718Q, R728Q, R688Q, R694Q, R699Q, R708Q, R715Q.
Identifiers: ClinVar variation 1367498 (VCV001367498.8), dbSNP rs867353439, ClinGen allele CA262756292.

ClinVar aggregate classification (germline): Uncertain significance (1 of 4 stars; one submission).

Conditions:
Sulfite oxidase deficiency due to molybdenum cofactor deficiency type C. Also called: Molybdenum cofactor deficiency, complementation group C; Molybdenum cofactor deficiency C. Identifiers: Orphanet 308400, Orphanet 833, MedGen C1854990, MONDO:0014212, OMIM 615501.

Allele frequency attached by ClinVar (database versions not stated): gnomAD exomes 0.00001; TOPMed 0.00002.
gnomAD v4.1: 15 of 1,608,900 alleles (0.00093%); highest among the groups gnomAD compares: South Asian, 0.0033%; no homozygotes.

Submission:

Labcorp Genetics (formerly Invitae), Labcorp
Classification: Uncertain significance for Sulfite oxidase deficiency due to molybdenum cofactor deficiency type C. Last evaluated: 2023-10-13. Review status: criteria provided, single submitter. Criteria: Invitae Variant Classification Sherloc (09022015). Collection method: clinical testing. Allele origin: germline.
Comment: This sequence change replaces arginine, which is basic and polar, with glutamine, which is neutral and polar, at codon 708 of the GPHN protein (p.Arg708Gln). This variant is not present in population databases (gnomAD no frequency). This variant has not been reported in the literature in individuals affected with GPHN-related conditions. ClinVar contains an entry for this variant (Variation ID: 1367498). Advanced modeling of protein sequence and biophysical properties (such as structural, functional, and spatial information, amino acid conservation, physicochemical variation, residue mobility, and thermodynamic stability) performed at Invitae indicates that this missense variant is expected to disrupt GPHN protein function. In summary, the available evidence is currently insufficient to determine the role of this variant in disease. Therefore, it has been classified as a Variant of Uncertain Significance.